The following is an entry in ClinVar:

ClinVar aggregate classification (germline): Pathogenic (1 of 4 stars; one submission).

Conditions:
Nemaline myopathy 2 (NEM2). Also called: Nemaline myopathy 2, autosomal recessive. Identifiers: MedGen C1850569, MONDO:0009725, OMIM 256030.

Submission:

Myriad Genetics, Inc.
Classification: Pathogenic for Nemaline myopathy 2. Last evaluated: 2025-08-06. Review status: criteria provided, single submitter. Criteria: Myriad Autosomal Dominant, Autosomal Recessive and X-Linked Classification Criteria (2023). Collection method: clinical testing. Allele origin: unknown.
Comment: NM_001271208.1(NEB):c.18582delT(K6195Nfs*18) is expected to be pathogenic in the context of NEB-related nemaline myopathy. This variant is predicted to lead to an abnormal or absent protein product due to the creation of a premature termination codon in NEB, a gene where loss-of-function variants are known to be pathogenic. Please note: this variant was assessed in the context of healthy population screening.

NM_001164508.2(NEB):c.18582del (p.Lys6195fs)

Gene: NEB (nebulin; minus strand). Cytogenetic location: 2q23.3.
Variant type: Deletion.
Coding change: c.18582del on transcript NM_001164508.2 (MANE Select); coding-DNA position 18582, one base deleted (T; older notation c.18582delT).
Protein change: p.Lys6195fs; shifts the reading frame from lysine 6195.
Molecular consequence: frameshift variant.
Genome position (GRCh38, 1-based): chr2:151,563,717, A deleted on the plus strand (T on the coding strand, the reverse complement: NEB is on the minus strand); the first of 2 consecutive A bases (chr2:151,563,717-151,563,718); deleting either gives the same sequence. VCF-style (leftmost placement, unchanged base first): chr2-151563716-TA-T. GRCh37 (hg19) VCF-style: chr2-152420230-TA-T.
Other names: c.18582del, p.Lys6195fs (NM_001164507.2, NM_001271208.2); c.13479del, p.Lys4494fs (NM_004543.5); short protein forms K4494fs, K6195fs.
Identifiers: ClinVar variation 5014833 (VCV005014833.1).
Genomic context (GRCh38, chr2:151,563,716, plus strand): 5'-CACCGATCACTTTTCCAGCCAGGTAGTGACCTTTCTGCTTCTCATATGTCTCTTTGTATT[TA>T]AGCTGTAAAGTGGGTTAAACATTGAGAATCGCTGGAGTTTCCTAACCAGCCCCTTGATCC-3'